The following is an entry in ClinVar:

ClinVar aggregate classification (germline): Uncertain significance (1 of 4 stars; one submission).

Submission:

GeneDx
Classification: Uncertain significance. Last evaluated: 2024-12-03. Review status: criteria provided, single submitter. Criteria: GeneDx Variant Classification Process June 2021. Collection method: clinical testing. Allele origin: germline. Affected: yes.
Comment: Not observed at significant frequency in large population cohorts (gnomAD); In silico analysis indicates that this variant does not alter splicing; Has not been previously published as pathogenic or benign to our knowledge

NM_018896.5(CACNA1G):c.3628C>A (p.Arg1210=)

Gene: CACNA1G (calcium voltage-gated channel subunit alpha1 G; plus strand). Cytogenetic location: 17q21.33.
Variant type: single nucleotide variant.
Coding change: c.3628C>A on transcript NM_018896.5 (MANE Select); coding-DNA position 3628, C replaced by A.
Protein change: p.Arg1210=; no amino-acid change (arginine 1210 retained).
Molecular consequence: synonymous variant. On other transcripts: non-coding transcript variant (5).
Genome position (GRCh38, 1-based): chr17:50,599,797, C>A. VCF-style: chr17-50599797-C-A. GRCh37 (hg19) VCF-style: chr17-48677158-C-A.
Other names: c.3628C>A, p.Arg1210= (NM_001256324.2, NM_001256325.2, NM_001256326.2 and 16 more transcripts); c.3559C>A, p.Arg1187= (NM_001256332.2, NM_198376.3, NM_198379.3 and 5 more transcripts).
Identifiers: ClinVar variation 3901632 (VCV003901632.1).